The following is an entry in ClinVar:

ClinVar aggregate classification (germline): Uncertain significance. Review status: criteria provided, multiple submitters, no conflicts (2 of 4 stars). 3 submissions from 3 submitters: Uncertain significance (3). Last evaluated 2025-04-24.

Conditions:
Inborn genetic diseases. Identifiers: MedGen C0950123, MeSH D030342.

Allele frequency attached by ClinVar (database versions not stated): ExAC 0.00001; gnomAD exomes 0.00002.

Submissions (3):

Ambry Genetics
Classification: Uncertain significance for Inborn genetic diseases. Last evaluated: 2025-04-24. Review status: criteria provided, single submitter. Criteria: Ambry Variant Classification Scheme 2023. Collection method: clinical testing. Allele origin: germline.

Blueprint Genetics
Classification: Uncertain significance. Last evaluated: 2024-10-30. Review status: criteria provided, single submitter. Criteria: ACMG Guidelines, 2015. Collection method: clinical testing. Allele origin: germline.

Labcorp Genetics (formerly Invitae), Labcorp
Classification: Uncertain significance. Last evaluated: 2022-07-25. Review status: criteria provided, single submitter. Criteria: Invitae Variant Classification Sherloc (09022015). Collection method: clinical testing. Allele origin: germline.
Comment: In summary, the available evidence is currently insufficient to determine the role of this variant in disease. Therefore, it has been classified as a Variant of Uncertain Significance. Algorithms developed to predict the effect of missense changes on protein structure and function (SIFT, PolyPhen-2, Align-GVGD) all suggest that this variant is likely to be tolerated. ClinVar contains an entry for this variant (Variation ID: 1500011). This variant has not been reported in the literature in individuals affected with C1QA-related conditions. This variant is present in population databases (rs769861384, gnomAD 0.004%). This sequence change replaces methionine, which is neutral and non-polar, with isoleucine, which is neutral and non-polar, at codon 126 of the C1QA protein (p.Met126Ile).

NM_015991.4(C1QA):c.378G>T (p.Met126Ile)

Gene: C1QA (complement C1q A chain; plus strand). Cytogenetic location: 1p36.12.
Variant type: single nucleotide variant.
Coding change: c.378G>T on transcript NM_015991.4 (MANE Select); coding-DNA position 378, G replaced by T.
Protein change: p.Met126Ile; replaces methionine 126 with isoleucine.
Molecular consequence: missense variant.
Genome position (GRCh38, 1-based): chr1:22,639,047, G>T. VCF-style: chr1-22639047-G-T. GRCh37 (hg19) VCF-style: chr1-22965540-G-T.
Other names: c.378G>T, p.Met126Ile (NM_001347465.2, NM_001347466.2); c.378G>T (NM_015991.2); short protein forms M126I.
Identifiers: ClinVar variation 1500011 (VCV001500011.10), dbSNP rs769861384, ClinGen allele CA677775.